The following is an entry in ClinVar:

NM_001148.6(ANK2):c.11133C>T (p.Ile3711=)

Gene: ANK2 (ankyrin 2; plus strand). Cytogenetic location: 4q26.
Variant type: single nucleotide variant.
Coding change: c.11133C>T on transcript NM_001148.6 (MANE Select); coding-DNA position 11133, C replaced by T.
Protein change: p.Ile3711=; no amino-acid change (isoleucine 3711 retained).
Molecular consequence: synonymous variant.
Genome position (GRCh38, 1-based): chr4:113,367,666, C>T. VCF-style: chr4-113367666-C-T. GRCh37 (hg19) VCF-style: chr4-114288822-C-T.
Other names: c.4857C>T, p.Ile1619= (NM_001354230.2); c.4815C>T, p.Ile1605= (NM_001386143.1, NM_001354243.2, NM_001354255.2); c.4920C>T, p.Ile1640= (NM_001354231.2, NM_001354242.2); c.4923C>T, p.Ile1641= (NM_001386144.1, NM_001354240.2, NM_001354241.2); c.4914C>T, p.Ile1638= (NM_001354232.2); c.4659C>T, p.Ile1553= (NM_001386146.1, NM_001386149.1, NM_001386150.1 and 1 more transcripts); c.4875C>T, p.Ile1625= (NM_001354235.2, NM_001354246.2, NM_001354265.2); c.4704C>T, p.Ile1568= (NM_001386147.1); and 35 more.
Identifiers: ClinVar variation 383509 (VCV000383509.12), dbSNP rs142441044, ClinGen allele CA3052235.

ClinVar aggregate classification (germline): Likely benign. Review status: criteria provided, multiple submitters, no conflicts (2 of 4 stars). 3 submissions from 3 submitters: Likely benign (3). Last evaluated 2024-09-25.

Conditions:
Cardiovascular phenotype. Identifiers: MedGen CN230736.
Long QT syndrome (LQTS). Identifiers: MedGen C0023976, MeSH D008133, MONDO:0002442. Disease mechanism: loss of function. Inheritance: Various modes of inheritance.

Allele frequency attached by ClinVar (database versions not stated): TOPMed 0.00003; gnomAD exomes 0.00004 and 0.00006; ExAC 0.00005; gnomAD 0.00006; ESP Exome Variant Server 0.00008; 1000 Genomes Project 30x 0.00016; 1000 Genomes Project 0.00020.
gnomAD v4.1: 95 of 1,613,918 alleles (0.0059%); highest among the groups gnomAD compares: Non-Finnish European, 0.0071%; no homozygotes.

Submissions (3):

Labcorp Genetics (formerly Invitae), Labcorp
Classification: Likely benign for Long QT syndrome. Last evaluated: 2024-09-25. Review status: criteria provided, single submitter. Criteria: Invitae Variant Classification Sherloc (09022015). Collection method: clinical testing. Allele origin: germline.

Ambry Genetics
Classification: Likely benign for Cardiovascular phenotype. Last evaluated: 2017-04-13. Review status: criteria provided, single submitter. Criteria: Ambry Variant Classification Scheme 2023. Collection method: clinical testing. Allele origin: germline.

GeneDx
Classification: Likely benign. Last evaluated: 2016-02-03. Review status: criteria provided, single submitter. Criteria: GeneDx Variant Classification (06012015). Collection method: clinical testing. Allele origin: germline. Affected: yes.
Comment: This variant is considered likely benign or benign based on one or more of the following criteria: it is a conservative change, it occurs at a poorly conserved position in the protein, it is predicted to be benign by multiple in silico algorithms, and/or has population frequency not consistent with disease.